The following is an entry in ClinVar:

NM_001204.7(BMPR2):c.2672G>A (p.Arg891Lys)

Gene: BMPR2 (bone morphogenetic protein receptor type 2; plus strand). Cytogenetic location: 2q33.2.
Variant type: single nucleotide variant.
Coding change: c.2672G>A on transcript NM_001204.7 (MANE Select); coding-DNA position 2672, G replaced by A.
Protein change: p.Arg891Lys; replaces arginine 891 with lysine.
Molecular consequence: missense variant.
Genome position (GRCh38, 1-based): chr2:202,556,337, G>A. VCF-style: chr2-202556337-G-A. GRCh37 (hg19) VCF-style: chr2-203421060-G-A.
Other names: short protein forms R891K.
Identifiers: ClinVar variation 4214547 (VCV004214547.1).

ClinVar aggregate classification (germline): Uncertain significance (1 of 4 stars; one submission).

Conditions:
Inborn genetic diseases. Identifiers: MedGen C0950123, MeSH D030342.

gnomAD v4.1: 2 of 1,614,188 alleles (0.00012%); highest among the groups gnomAD compares: Non-Finnish European, 0.00017%; no homozygotes.

Submission:

Ambry Genetics
Classification: Uncertain significance for Inborn genetic diseases. Last evaluated: 2025-09-01. Review status: criteria provided, single submitter. Criteria: Ambry Variant Classification Scheme 2023. Collection method: clinical testing. Allele origin: germline.
Comment: The p.R891K variant (also known as c.2672G>A), located in coding exon 12 of the BMPR2 gene, results from a G to A substitution at nucleotide position 2672. The arginine at codon 891 is replaced by lysine, an amino acid with highly similar properties. This amino acid position is conserved. In addition, the in silico prediction for this alteration is inconclusive. Based on the available evidence, the clinical significance of this variant remains unclear.